The following is an entry in ClinVar:

NM_004260.4(RECQL4):c.703C>T (p.Gln235Ter)

Gene: RECQL4 (RecQ like helicase 4; minus strand). Cytogenetic location: 8q24.3.
Variant type: single nucleotide variant.
Coding change: c.703C>T on transcript NM_004260.4 (MANE Select); coding-DNA position 703, C replaced by T.
Protein change: p.Gln235Ter; replaces glutamine 235 with a stop codon.
Molecular consequence: nonsense.
Genome position (GRCh38, 1-based): chr8:144,516,416, G>A on the plus strand (C>T on the coding strand, the complement: RECQL4 is on the minus strand). VCF-style: chr8-144516416-G-A. GRCh37 (hg19) VCF-style: chr8-145741800-G-A.
Other names: c.703C>T, p.Gln235Ter (NM_001413017.1, NM_001413018.1, NM_001413019.1 and 4 more transcripts); c.-369C>T (NM_001413022.1, NM_001413023.1, NM_001413024.1 and 5 more transcripts); c.574C>T, p.Gln192Ter (NM_001413025.1); c.-431C>T (NM_001413027.1, NM_001413030.1, NM_001413031.1 and 2 more transcripts); c.-273C>T (NM_001413034.1); c.-638C>T (NM_001413043.1); short protein forms Q235*, Q192*.
Identifiers: ClinVar variation 2031387 (VCV002031387.4), dbSNP rs2538092564, ClinGen allele CA372689602.

ClinVar aggregate classification (germline): Pathogenic (1 of 4 stars; one submission).

Conditions:
Baller-Gerold syndrome (BGS). Also called: CRANIOSYNOSTOSIS WITH RADIAL DEFECTS. Identifiers: Orphanet 1225, MedGen C0265308, MONDO:0009039, OMIM 218600.

Allele frequency attached by ClinVar (database versions not stated): gnomAD exomes below 0.00001.

Submission:

Labcorp Genetics (formerly Invitae), Labcorp
Classification: Pathogenic for Baller-Gerold syndrome. Last evaluated: 2022-09-20. Review status: criteria provided, single submitter. Criteria: Invitae Variant Classification Sherloc (09022015). Collection method: clinical testing. Allele origin: germline.
Comment: This variant has not been reported in the literature in individuals affected with RECQL4-related conditions. For these reasons, this variant has been classified as Pathogenic. Algorithms developed to predict the effect of sequence changes on RNA splicing suggest that this variant may create or strengthen a splice site. This variant is not present in population databases (gnomAD no frequency). This sequence change creates a premature translational stop signal (p.Gln235*) in the RECQL4 gene. It is expected to result in an absent or disrupted protein product. Loss-of-function variants in RECQL4 are known to be pathogenic (PMID: 12734318, 12952869).

Literature cited by the submitters: PubMed 12734318; PubMed 12952869.